The following is an entry in ClinVar:

NM_001830.4(CLCN4):c.987G>T (p.Met329Ile)

Gene: CLCN4 (chloride voltage-gated channel 4; plus strand). Cytogenetic location: Xp22.2.
Variant type: single nucleotide variant.
Coding change: c.987G>T on transcript NM_001830.4 (MANE Select); coding-DNA position 987, G replaced by T.
Protein change: p.Met329Ile; replaces methionine 329 with isoleucine.
Molecular consequence: missense variant.
Genome position (GRCh38, 1-based): chrX:10,208,188, G>T. VCF-style: chrX-10208188-G-T. GRCh37 (hg19) VCF-style: chrX-10176228-G-T.
Other names: c.705G>T, p.Met235Ile (NM_001256944.2); short protein forms M235I, M329I.
Identifiers: ClinVar variation 3370772 (VCV003370772.1).

ClinVar aggregate classification (germline): Uncertain significance (1 of 4 stars; one submission).

Submission:

GeneDx
Classification: Uncertain significance. Last evaluated: 2024-03-13. Review status: criteria provided, single submitter. Criteria: GeneDx Variant Classification Process June 2021. Collection method: clinical testing. Allele origin: germline. Affected: yes.
Comment: Not observed at significant frequency in large population cohorts (gnomAD); In silico analysis supports that this missense variant does not alter protein structure/function; Has not been previously published as pathogenic or benign to our knowledge